The following is an entry in ClinVar:

NM_000138.5(FBN1):c.1290A>G (p.Pro430=)

Gene: FBN1 (fibrillin 1; minus strand). Cytogenetic location: 15q21.1.
Variant type: single nucleotide variant.
Coding change: c.1290A>G on transcript NM_000138.5 (MANE Select); coding-DNA position 1290, A replaced by G.
Protein change: p.Pro430=; no amino-acid change (proline 430 retained).
Molecular consequence: synonymous variant.
Genome position (GRCh38, 1-based): chr15:48,516,220, T>C on the plus strand (A>G on the coding strand, the complement: FBN1 is on the minus strand). VCF-style: chr15-48516220-T-C. GRCh37 (hg19) VCF-style: chr15-48808417-T-C.
Identifiers: ClinVar variation 386537 (VCV000386537.11), dbSNP rs749526018, ClinGen allele CA044212.

ClinVar aggregate classification (germline): Likely benign. Review status: criteria provided, multiple submitters, no conflicts (2 of 4 stars). 4 submissions from 4 submitters: Likely benign (4). Last evaluated 2025-06-26.

Conditions:
Marfan syndrome (MFS). Also called: Marfan syndrome, classic; Marfan syndrome type 1; Marfan's syndrome; MARFAN SYNDROME, TYPE I; FBN1-Related Marfan Syndrome. Identifiers: Orphanet 284963, Orphanet 558, MedGen C0024796, MONDO:0007947, OMIM 154700.
Familial thoracic aortic aneurysm and aortic dissection (TAAD). Also called: Thoracic aortic aneurysms and dissections. Identifiers: Orphanet 91387, MedGen C4707243, MONDO:0019625.

Allele frequency attached by ClinVar (database versions not stated): TOPMed below 0.00001; gnomAD exomes 0.00004 and 0.00002; ExAC 0.00002.
gnomAD v4.1: 10 of 1,613,512 alleles (0.00062%); highest among the groups gnomAD compares: Admixed American, 0.015%; no homozygotes.

Submissions (4):

Labcorp Genetics (formerly Invitae), Labcorp
Classification: Likely benign for Marfan syndrome; Familial thoracic aortic aneurysm and aortic dissection. Last evaluated: 2025-06-26. Review status: criteria provided, single submitter. Criteria: Invitae Variant Classification Sherloc (09022015). Collection method: clinical testing. Allele origin: germline.

All of Us Research Program, National Institutes of Health
Classification: Likely benign for Marfan syndrome. Last evaluated: 2023-12-13. Review status: criteria provided, single submitter. Criteria: ACMG Guidelines, 2015. Collection method: clinical testing. Allele origin: germline. Inheritance: Autosomal dominant inheritance. Observed: 3 variant alleles, 3 heterozygotes.
Comment: This study involves interpretation of variants in research participants for the purpose of population health screening. Participant phenotype was not available at the time of variant classification. Additional details can be found in publication PMID: 35346344, PMCID: PMC8962531

Color Diagnostics, LLC DBA Color Health
Classification: Likely benign for Familial thoracic aortic aneurysm and aortic dissection. Last evaluated: 2019-10-15. Review status: criteria provided, single submitter. Criteria: ACMG Guidelines, 2015. Collection method: clinical testing. Allele origin: germline.

GeneDx
Classification: Likely benign. Last evaluated: 2016-06-07. Review status: criteria provided, single submitter. Criteria: GeneDx Variant Classification (06012015). Collection method: clinical testing. Allele origin: germline. Affected: yes.
Comment: This variant is considered likely benign or benign based on one or more of the following criteria: it is a conservative change, it occurs at a poorly conserved position in the protein, it is predicted to be benign by multiple in silico algorithms, and/or has population frequency not consistent with disease.